The following is an entry in ClinVar:

ClinVar aggregate classification (germline): Uncertain significance. Review status: criteria provided, multiple submitters, no conflicts (2 of 4 stars). 2 submissions from 2 submitters: Uncertain significance (2). Last evaluated 2023-09-10.

Conditions:
Hereditary cancer-predisposing syndrome. Also called: Hereditary neoplastic syndrome; Hereditary Cancer Syndrome; Neoplastic Syndromes, Hereditary; Tumor predisposition. Identifiers: Orphanet 140162, MedGen C0027672, MeSH D009386, MONDO:0015356.
Familial adenomatous polyposis 1 (FAP1). Also called: POLYPOSIS, ADENOMATOUS INTESTINAL; FAMILIAL ADENOMATOUS POLYPOSIS 1, ATTENUATED. Identifiers: MedGen C2713442, MONDO:0021056, OMIM 175100. Disease mechanism: loss of function.

Submissions (2):

Labcorp Genetics (formerly Invitae), Labcorp
Classification: Uncertain significance for Familial adenomatous polyposis 1. Last evaluated: 2023-09-10. Review status: criteria provided, single submitter. Criteria: Invitae Variant Classification Sherloc (09022015). Collection method: clinical testing. Allele origin: germline.
Comment: In summary, the available evidence is currently insufficient to determine the role of this variant in disease. Therefore, it has been classified as a Variant of Uncertain Significance. Advanced modeling of protein sequence and biophysical properties (such as structural, functional, and spatial information, amino acid conservation, physicochemical variation, residue mobility, and thermodynamic stability) performed at Invitae indicates that this missense variant is not expected to disrupt APC protein function. ClinVar contains an entry for this variant (Variation ID: 2566969). This variant has not been reported in the literature in individuals affected with APC-related conditions. This variant is not present in population databases (gnomAD no frequency). This sequence change replaces alanine, which is neutral and non-polar, with threonine, which is neutral and polar, at codon 2257 of the APC protein (p.Ala2257Thr).

Ambry Genetics
Classification: Uncertain significance for Hereditary cancer-predisposing syndrome. Last evaluated: 2023-04-16. Review status: criteria provided, single submitter. Criteria: Ambry Variant Classification Scheme 2023. Collection method: clinical testing. Allele origin: germline.
Comment: The p.A2257T variant (also known as c.6769G>A), located in coding exon 15 of the APC gene, results from a G to A substitution at nucleotide position 6769. The alanine at codon 2257 is replaced by threonine, an amino acid with similar properties. This amino acid position is conserved. In addition, in silico predictors for this gene do not accurately predict pathogenicity. Since supporting evidence is limited at this time, the clinical significance of this alteration remains unclear.

NM_000038.6(APC):c.6769G>A (p.Ala2257Thr)

Gene: APC (APC regulator of Wnt signaling pathway; plus strand). Cytogenetic location: 5q22.2.
Variant type: single nucleotide variant.
Coding change: c.6769G>A on transcript NM_000038.6 (MANE Select); coding-DNA position 6769, G replaced by A.
Protein change: p.Ala2257Thr; replaces alanine 2257 with threonine.
Molecular consequence: missense variant. On other transcripts: non-coding transcript variant (2).
Genome position (GRCh38, 1-based): chr5:112,842,363, G>A. VCF-style: chr5-112842363-G-A. GRCh37 (hg19) VCF-style: chr5-112178060-G-A.
Other names: c.6715G>A, p.Ala2239Thr (NM_001127511.3); c.6769G>A, p.Ala2257Thr (NM_001354895.2, NM_001407450.1, NM_001127510.3); c.6823G>A, p.Ala2275Thr (NM_001354896.2, NM_001407447.1, NM_001407448.1 and 1 more transcripts); c.6799G>A, p.Ala2267Thr (NM_001354897.2); c.6694G>A, p.Ala2232Thr (NM_001354898.2); c.6685G>A, p.Ala2229Thr (NM_001354899.2); c.6646G>A, p.Ala2216Thr (NM_001354900.2); c.6592G>A, p.Ala2198Thr (NM_001354901.2, NM_001407453.1); and 11 more; short protein forms A1873T, A1974T, A2097T, A2229T, A2232T, A2247T, A2131T, A2166T.
Identifiers: ClinVar variation 2566969 (VCV002566969.5), dbSNP rs2149972698, ClinGen allele CA16036116.
Genomic context (GRCh38, chr5:112,842,363, plus strand): 5'-CGAAATAGCTCCTCAAGTACAAGTCCTGTTTCTAAAAAAGGCCCACCCCTTAAGACTCCA[G>A]CCTCCAAAAGCCCTAGTGAAGGTCAAACAGCCACCACTTCTCCTAGAGGAGCCAAGCCAT-3'
Protein context (NP_000029.2, residues 2247-2267): SKKGPPLKTP[Ala2257Thr]SKSPSEGQTA